The following is an entry in ClinVar:

ClinVar aggregate classification (germline): Uncertain significance. Review status: criteria provided, multiple submitters, no conflicts (2 of 4 stars). 3 submissions from 3 submitters: Uncertain significance (2). 1 of the submissions does not count toward it. Last evaluated 2021-12-30.

Conditions:
Polycystic kidney disease 4 (PKD4). Also called: POLYCYSTIC KIDNEY AND HEPATIC DISEASE 1; POLYCYSTIC KIDNEY DISEASE, INFANTILE, TYPE I; POLYCYSTIC KIDNEY DISEASE 4 WITH OR WITHOUT POLYCYSTIC LIVER DISEASE; Autosomal Recessive Polycystic Kidney Disease – PKHD1; PKD3. Identifiers: MedGen C4540575, MONDO:0033004, OMIM 263200.
Autosomal recessive polycystic kidney disease (ARPKD). Also called: AR polycystic kidney disease. Identifiers: Orphanet 731, Orphanet 8378, MedGen C0085548, MeSH D017044, MONDO:0009889.

Allele frequency attached by ClinVar (database versions not stated): gnomAD exomes 0.00001 and below 0.00001; TOPMed 0.00001; ExAC 0.00002; gnomAD 0.00001.

Submissions (3):

Labcorp Genetics (formerly Invitae), Labcorp
Classification: Uncertain significance for Autosomal recessive polycystic kidney disease. Last evaluated: 2021-12-30. Review status: criteria provided, single submitter. Criteria: Invitae Variant Classification Sherloc (09022015). Collection method: clinical testing. Allele origin: germline.
Comment: This sequence change replaces serine, which is neutral and polar, with glycine, which is neutral and non-polar, at codon 2694 of the PKHD1 protein (p.Ser2694Gly). This variant is present in population databases (rs775472136, gnomAD 0.01%). This variant has not been reported in the literature in individuals affected with PKHD1-related conditions. ClinVar contains an entry for this variant (Variation ID: 1050069). Advanced modeling of protein sequence and biophysical properties (such as structural, functional, and spatial information, amino acid conservation, physicochemical variation, residue mobility, and thermodynamic stability) performed at Invitae indicates that this missense variant is not expected to disrupt PKHD1 protein function. In summary, the available evidence is currently insufficient to determine the role of this variant in disease. Therefore, it has been classified as a Variant of Uncertain Significance.

Fulgent Genetics
Classification: Uncertain significance for Polycystic kidney disease 4. Last evaluated: 2021-08-19. Review status: criteria provided, single submitter. Criteria: ACMG Guidelines, 2015. Collection method: clinical testing. Allele origin: unknown.

Department of Pathology and Laboratory Medicine, Sinai Health System
Classification: Uncertain significance. Review status: no assertion criteria provided. Collection method: clinical testing. Allele origin: unknown. Affected: yes. Study: The Canadian Open Genetics Repository (COGR). Not counted in ClinVar's aggregate classification.
Comment: The PKHD1 p.Ser2694Gly variant was not identified in the literature nor was it identified in ClinVar or LOVD 3.0. The variant was identified in dbSNP (ID: rs775472136) and in control databases in 3 of 251188 chromosomes at a frequency of 0.000012 (Genome Aggregation Database Feb 27, 2017). The variant was observed in the following populations: Ashkenazi Jewish in 1 of 10070 chromosomes (freq: 0.000099) and European (non-Finnish) in 2 of 113518 chromosomes (freq: 0.000018), while the variant was not observed in the African, Latino, East Asian, European (Finnish), Other and South Asian populations. The variant occurs outside of the splicing consensus sequence and 2 of 4 in silico or computational prediction software programs (SpliceSiteFinder, MaxEntScan) predict a greater than 10% difference in splicing. The p.Ser2694 residue is not conserved in mammals and four out of five computational analyses (SIFT, AlignGVGD, BLOSUM, MutationTaster) do not suggest a high likelihood of impact to the protein; however, this information is not predictive enough to rule out pathogenicity. In summary, based on the above information the clinical significance of this variant cannot be determined with certainty at this time. This variant is classified as a variant of uncertain significance.

NM_138694.4(PKHD1):c.8080A>G (p.Ser2694Gly)

Gene: PKHD1 (PKHD1 ciliary IPT domain containing fibrocystin/polyductin; minus strand). Cytogenetic location: 6p12.2.
Variant type: single nucleotide variant.
Coding change: c.8080A>G on transcript NM_138694.4 (MANE Select); coding-DNA position 8080, A replaced by G.
Protein change: p.Ser2694Gly; replaces serine 2694 with glycine.
Molecular consequence: missense variant.
Genome position (GRCh38, 1-based): chr6:51,847,802, T>C on the plus strand (A>G on the coding strand, the complement: PKHD1 is on the minus strand). VCF-style: chr6-51847802-T-C. GRCh37 (hg19) VCF-style: chr6-51712600-T-C.
Other names: c.8080A>G, p.Ser2694Gly (NM_170724.3); short protein forms S2694G.
Identifiers: ClinVar variation 1050069 (VCV001050069.4), dbSNP rs775472136, ClinGen allele CA3851757.